The following is an entry in ClinVar:

ClinVar aggregate classification (germline): Uncertain significance (1 of 4 stars; one submission).

Conditions:
Neuroblastoma, susceptibility to, 3. Also called: ALK-Related Neuroblastic Tumor Susceptibility. Identifiers: Orphanet 635, MedGen C2751681, MONDO:0013083, OMIM 613014.

Submission:

Labcorp Genetics (formerly Invitae), Labcorp
Classification: Uncertain significance for Neuroblastoma, susceptibility to, 3. Last evaluated: 2023-09-13. Review status: criteria provided, single submitter. Criteria: Invitae Variant Classification Sherloc (09022015). Collection method: clinical testing. Allele origin: germline.
Comment: In summary, the available evidence is currently insufficient to determine the role of this variant in disease. Therefore, it has been classified as a Variant of Uncertain Significance. An algorithm developed to predict the effect of missense changes on protein structure and function (PolyPhen-2) suggests that this variant is likely to be tolerated. This variant has not been reported in the literature in individuals affected with ALK-related conditions. This variant is not present in population databases (gnomAD no frequency). This sequence change replaces threonine, which is neutral and polar, with lysine, which is basic and polar, at codon 648 of the ALK protein (p.Thr648Lys).

NM_004304.5(ALK):c.1943C>A (p.Thr648Lys)

Gene: ALK (ALK receptor tyrosine kinase; minus strand). Cytogenetic location: 2p23.2.
Variant type: single nucleotide variant.
Coding change: c.1943C>A on transcript NM_004304.5 (MANE Select); coding-DNA position 1943, C replaced by A.
Protein change: p.Thr648Lys; replaces threonine 648 with lysine.
Molecular consequence: missense variant.
Genome position (GRCh38, 1-based): chr2:29,275,197, G>T on the plus strand (C>A on the coding strand, the complement: ALK is on the minus strand). VCF-style: chr2-29275197-G-T. GRCh37 (hg19) VCF-style: chr2-29498063-G-T.
Other names: short protein forms T648K.
Identifiers: ClinVar variation 2759297 (VCV002759297.3), dbSNP rs116202066, ClinGen allele CA346479768.